The following is an entry in ClinVar:

ClinVar aggregate classification (germline): Uncertain significance (1 of 4 stars; one submission).

Allele frequency attached by ClinVar (database versions not stated): TOPMed below 0.00001; gnomAD 0.00001; gnomAD exomes 0.00001.
gnomAD v4.1: 11 of 1,613,630 alleles (0.00068%); highest among the groups gnomAD compares: Non-Finnish European, 0.00093%; no homozygotes.

Submission:

Labcorp Genetics (formerly Invitae), Labcorp
Classification: Uncertain significance. Last evaluated: 2021-07-25. Review status: criteria provided, single submitter. Criteria: Invitae Variant Classification Sherloc (09022015). Collection method: clinical testing. Allele origin: germline.
Comment: This sequence change replaces alanine with valine at codon 1847 of the ADGRV1 protein (p.Ala1847Val). The alanine residue is highly conserved and there is a small physicochemical difference between alanine and valine. This variant is not present in population databases (ExAC no frequency). This variant has not been reported in the literature in individuals affected with ADGRV1-related conditions. Algorithms developed to predict the effect of missense changes on protein structure and function are either unavailable or do not agree on the potential impact of this missense change (SIFT: "Deleterious"; PolyPhen-2: "Probably Damaging"; Align-GVGD: "Class C0"). In summary, the available evidence is currently insufficient to determine the role of this variant in disease. Therefore, it has been classified as a Variant of Uncertain Significance.

NM_032119.4(ADGRV1):c.5540C>T (p.Ala1847Val)

Gene: ADGRV1 (adhesion G protein-coupled receptor V1; plus strand). Cytogenetic location: 5q14.3.
Variant type: single nucleotide variant.
Coding change: c.5540C>T on transcript NM_032119.4 (MANE Select); coding-DNA position 5540, C replaced by T.
Protein change: p.Ala1847Val; replaces alanine 1847 with valine.
Molecular consequence: missense variant. On other transcripts: non-coding transcript variant (1).
Genome position (GRCh38, 1-based): chr5:90,681,330, C>T. VCF-style: chr5-90681330-C-T. GRCh37 (hg19) VCF-style: chr5-89977147-C-T.
Other names: short protein forms A1847V.
Identifiers: ClinVar variation 1375558 (VCV001375558.7), dbSNP rs1561515350, ClinGen allele CA360412161.